The following is an entry in ClinVar:

ClinVar aggregate classification (germline): Uncertain significance (1 of 4 stars; one submission).

Conditions:
Bardet-Biedl syndrome (BBS). Identifiers: Orphanet 110, MedGen C0752166, MONDO:0015229.

Submission:

Labcorp Genetics (formerly Invitae), Labcorp
Classification: Uncertain significance for Bardet-Biedl syndrome. Last evaluated: 2022-10-13. Review status: criteria provided, single submitter. Criteria: Invitae Variant Classification Sherloc (09022015). Collection method: clinical testing. Allele origin: germline.
Comment: This sequence change replaces leucine, which is neutral and non-polar, with phenylalanine, which is neutral and non-polar, at codon 344 of the BBS4 protein (p.Leu344Phe). In summary, the available evidence is currently insufficient to determine the role of this variant in disease. Therefore, it has been classified as a Variant of Uncertain Significance. Advanced modeling of protein sequence and biophysical properties (such as structural, functional, and spatial information, amino acid conservation, physicochemical variation, residue mobility, and thermodynamic stability) performed at Invitae indicates that this missense variant is expected to disrupt BBS4 protein function. This variant has not been reported in the literature in individuals affected with BBS4-related conditions. This variant is not present in population databases (gnomAD no frequency).

NM_033028.5(BBS4):c.1032G>C (p.Leu344Phe)

Gene: BBS4 (Bardet-Biedl syndrome 4; plus strand). Cytogenetic location: 15q24.1.
Variant type: single nucleotide variant.
Coding change: c.1032G>C on transcript NM_033028.5 (MANE Select); coding-DNA position 1032, G replaced by C.
Protein change: p.Leu344Phe; replaces leucine 344 with phenylalanine.
Molecular consequence: missense variant. On other transcripts: non-coding transcript variant (2).
Genome position (GRCh38, 1-based): chr15:72,731,722, G>C. VCF-style: chr15-72731722-G-C. GRCh37 (hg19) VCF-style: chr15-73024063-G-C.
Other names: c.516G>C, p.Leu172Phe (NM_001252678.2); c.963G>C, p.Leu321Phe (NM_001320665.2); short protein forms L321F, L344F, L172F.
Identifiers: ClinVar variation 1998718 (VCV001998718.4), dbSNP rs2542999181, ClinGen allele CA393079102.